The following is an entry in ClinVar:

ClinVar aggregate classification (germline): Uncertain significance (1 of 4 stars; one submission).

gnomAD v4.1: 12 of 1,613,950 alleles (0.00074%); highest among the groups gnomAD compares: South Asian, 0.0066%; no homozygotes.

Submission:

GeneDx
Classification: Uncertain significance. Last evaluated: 2024-12-02. Review status: criteria provided, single submitter. Criteria: GeneDx Variant Classification Process June 2021. Collection method: clinical testing. Allele origin: germline. Affected: yes.
Comment: In silico analysis supports that this missense variant has a deleterious effect on protein structure/function; Has not been previously published as pathogenic or benign to our knowledge; In silico analysis suggests this variant may impact gene splicing. In the absence of RNA/functional studies, the actual effect of this sequence change is unknown.

NM_032656.4(DHX37):c.1235G>A (p.Arg412Gln)

Gene: DHX37 (DEAH-box helicase 37; minus strand). Cytogenetic location: 12q24.31.
Variant type: single nucleotide variant.
Coding change: c.1235G>A on transcript NM_032656.4 (MANE Select); coding-DNA position 1235, G replaced by A.
Protein change: p.Arg412Gln; replaces arginine 412 with glutamine.
Molecular consequence: missense variant.
Genome position (GRCh38, 1-based): chr12:124,968,925, C>T on the plus strand (G>A on the coding strand, the complement: DHX37 is on the minus strand). VCF-style: chr12-124968925-C-T. GRCh37 (hg19) VCF-style: chr12-125453471-C-T.
Other names: short protein forms R412Q.
Identifiers: ClinVar variation 3372947 (VCV003372947.2).
Genomic context (GRCh38, chr12:124,968,925, plus strand): 5'-ACCTTGATGACCGGCGGCGGCTTGGCGAAGAGCCGTGGGTTCTGGGTGAAGTCCTCCACC[C>T]GCAGCGTGGCCGACATGATGAGCAGCTTGAGTGGCAGGTTCCTCTGCAAAAGGACAGGCT-3'
Protein context (NP_116045.2, residues 402-422): LKLLIMSATL[Arg412Gln]VEDFTQNPRL